The following is an entry in ClinVar:

ClinVar aggregate classification (germline): Conflicting classifications of pathogenicity. Review status: criteria provided, conflicting classifications (1 of 4 stars). 2 submissions from 2 submitters: Uncertain significance (1); Likely benign (1). Last evaluated 2022-07-01.

Conditions:
CHARGE syndrome (CHARGE). Also called: Hittner Hirsch Kreh syndrome; CHARGE ASSOCIATION--COLOBOMA, HEART ANOMALY, CHOANAL ATRESIA, RETARDATION, GENITAL AND EAR ANOMALIES; Coloboma, heart anomaly, choanal atresia, retardation, genital and ear anomalies; CHARGE association; Hall-Hittner syndrome. Identifiers: Orphanet 138, MedGen C0265354, MONDO:0008965.

Allele frequency attached by ClinVar (database versions not stated): gnomAD exomes below 0.00001; ExAC 0.00001.
gnomAD v4.1: 1 of 1,611,446 alleles (0.000062%); highest among the groups gnomAD compares: Admixed American, 0.0017%; no homozygotes.

Submissions (2):

Labcorp Genetics (formerly Invitae), Labcorp
Classification: Likely benign for CHARGE syndrome. Last evaluated: 2022-07-01. Review status: criteria provided, single submitter. Criteria: Invitae Variant Classification Sherloc (09022015). Collection method: clinical testing. Allele origin: germline.

GeneDx
Classification: Uncertain significance. Last evaluated: 2019-10-02. Review status: criteria provided, single submitter. Criteria: GeneDx Variant Classification Process June 2021. Collection method: clinical testing. Allele origin: germline. Affected: yes.
Comment: Not observed at a significant frequency in large population cohorts (Lek et al., 2016); In silico analysis, which includes protein predictors and evolutionary conservation, supports a deleterious effect; Has not been previously published as pathogenic or benign to our knowledge

NM_017780.4(CHD7):c.6880C>T (p.Pro2294Ser)

Gene: CHD7 (chromodomain helicase DNA binding protein 7; plus strand). Cytogenetic location: 8q12.2.
Variant type: single nucleotide variant.
Coding change: c.6880C>T on transcript NM_017780.4 (MANE Select); coding-DNA position 6880, C replaced by T.
Protein change: p.Pro2294Ser; replaces proline 2294 with serine.
Molecular consequence: missense variant. On other transcripts: intron variant (1).
Genome position (GRCh38, 1-based): chr8:60,854,467, C>T. VCF-style: chr8-60854467-C-T. GRCh37 (hg19) VCF-style: chr8-61767026-C-T.
Other names: c.1717-7762C>T (NM_001316690.1); short protein forms P2294S.
Identifiers: ClinVar variation 1308864 (VCV001308864.6), dbSNP rs767696409, ClinGen allele CA4760681.
Genomic context (GRCh38, chr8:60,854,467, plus strand): 5'-GCTTCCATGAGCACTGCTAGAGATGAAACCCGAGATGGATTCTACATGGAGGACGGAGAT[C>T]CTTCAGTAGCTCAGCTCCTTCATGAAAGAACATTTGCCTTCTCGTTTTGGCCTAAGGTTG-3'
Protein context (NP_060250.2, residues 2284-2304): RDGFYMEDGD[Pro2294Ser]SVAQLLHERT